The following is an entry in ClinVar:

ClinVar aggregate classification (germline): Likely pathogenic (1 of 4 stars; one submission).

Conditions:
Fanconi anemia complementation group D1. Also called: BRCA2-Related Fanconi Anemia. Identifiers: Orphanet 319462, MedGen C1838457, MONDO:0011584, OMIM 605724.
Pancreatic cancer, susceptibility to, 2. Identifiers: Orphanet 1333, MedGen C3150546, MONDO:0013235, OMIM 613347.
Glioma susceptibility 3 (GLM3). Also called: Glioblastoma 3. Identifiers: Orphanet 182067, Orphanet 360, MedGen C2751641, MONDO:0013093, OMIM 613029.
Familial prostate cancer. Also called: Hereditary Prostate Cancer. Identifiers: MedGen C2931456, MONDO:0700275, OMIM 176807.
Familial cancer of breast. Also called: BREAST CANCER, FAMILIAL; Hereditary breast cancer; hereditary breast carcinoma. Identifiers: Orphanet 227535, MedGen C0346153, MONDO:0016419, OMIM 114480. Disease mechanism: loss of function.
Breast-ovarian cancer, familial, susceptibility to, 2 (BROVCA2). Also called: BRCA2 Hereditary Breast and Ovarian Cancer. Identifiers: Orphanet 145, MedGen C2675520, MONDO:0012933, OMIM 612555. Disease mechanism: loss of function.
Medulloblastoma (MDB). Also called: Medulloblastoma, somatic; MEDULLOBLASTOMA PREDISPOSITION SYNDROME. Identifiers: Orphanet 616, MedGen C0025149, MeSH D008527, MONDO:0007959, OMIM 155255, HP:0002885.
Wilms tumor 1 (WT1). Also called: Wilms tumor, somatic. Identifiers: Orphanet 654, MedGen CN033288, MONDO:0008679, OMIM 194070.

Submission:

Juno Genomics, Hangzhou Juno Genomics, Inc
Classification: Likely pathogenic for Familial cancer of breast; Breast-ovarian cancer, familial, susceptibility to, 2; Glioma susceptibility 3; Medulloblastoma; Pancreatic cancer, susceptibility to, 2; Familial prostate cancer; Fanconi anemia complementation group D1; Wilms tumor 1. Review status: criteria provided, single submitter. Criteria: ACMG Guidelines, 2015. Collection method: clinical testing. Allele origin: germline.
Comment: Null variant in a gene where loss of function (LOF) is a known mechanism of disease.;Absent from controls (or at extremely low frequency if recessive) in Genome Aggregation Database.

NM_000059.4(BRCA2):c.2637dup (p.Glu880Ter)

Gene: BRCA2 (BRCA2 DNA repair associated; plus strand). Cytogenetic location: 13q13.1.
Variant type: Duplication.
Coding change: c.2637dup on transcript NM_000059.4 (MANE Select); coding-DNA position 2637, one base duplicated (T; older notation c.2637dupT).
Protein change: p.Glu880Ter; replaces glutamic acid 880 with a stop codon.
Molecular consequence: nonsense. On other transcripts: non-coding transcript variant (1), intron variant (2).
Genome position (GRCh38, 1-based): chr13:32,336,992, T duplicated. VCF-style (leftmost placement, unchanged base first): chr13-32336991-C-CT. GRCh37 (hg19) VCF-style: chr13-32911128-C-CT.
Other names: c.2637dup, p.Glu880Ter (NM_001406719.1, NM_001406720.1, NM_001432077.1); c.1909+3605dup (NM_001406721.1); c.424+5962dup (NM_001406722.1); short protein forms E880*.
Identifiers: ClinVar variation 5005241 (VCV005005241.2).